The following is an entry in ClinVar:

NM_173500.4(TTBK2):c.980+187A>T

Gene: TTBK2 (tau tubulin kinase 2; minus strand). Cytogenetic location: 15q15.2.
Variant type: single nucleotide variant.
Coding change: c.980+187A>T on transcript NM_173500.4 (MANE Select); 187 bases into the intron after coding-DNA position 980, A replaced by T.
Molecular consequence: intron variant.
Genome position (GRCh38, 1-based): chr15:42,794,457, T>A on the plus strand (A>T on the coding strand, the complement: TTBK2 is on the minus strand). VCF-style: chr15-42794457-T-A. GRCh37 (hg19) VCF-style: chr15-43086655-T-A.
Identifiers: ClinVar variation 1684087 (VCV001684087.2), dbSNP rs149078560, ClinGen allele CA269898331.

ClinVar aggregate classification (germline): Likely benign (1 of 4 stars; one submission).

Allele frequency attached by ClinVar (database versions not stated): gnomAD 0.00551 and 0.00590; TOPMed 0.00592; 1000 Genomes Project 0.00599; 1000 Genomes Project 30x 0.00656.
gnomAD v4.1: 829 of 152,300 alleles (0.54%); highest among the groups gnomAD compares: African/African-American, 1.9%; 9 homozygotes.

Submission:

GeneDx
Classification: Likely benign. Last evaluated: 2021-05-25. Review status: criteria provided, single submitter. Criteria: GeneDx Variant Classification Process June 2021. Collection method: clinical testing. Allele origin: germline. Affected: yes.
Comment: See Variant Classification Assertion Criteria.